The following is an entry in ClinVar:

ClinVar aggregate classification (germline): Pathogenic (1 of 4 stars; one submission).

Submission:

Labcorp Genetics (formerly Invitae), Labcorp
Classification: Pathogenic. Last evaluated: 2022-05-27. Review status: criteria provided, single submitter. Criteria: Invitae Variant Classification Sherloc (09022015). Collection method: clinical testing. Allele origin: germline.
Comment: For these reasons, this variant has been classified as Pathogenic. This variant has not been reported in the literature in individuals affected with YARS2-related conditions. This variant is not present in population databases (gnomAD no frequency). This sequence change creates a premature translational stop signal (p.Tyr221Serfs*28) in the YARS2 gene. It is expected to result in an absent or disrupted protein product. Loss-of-function variants in YARS2 are known to be pathogenic (PMID: 20598274, 24344687, 25638461).

Literature cited by the submitters: PubMed 20598274; PubMed 24344687; PubMed 25638461.

NM_001040436.3(YARS2):c.662del (p.Tyr221fs)

Gene: YARS2 (tyrosyl-tRNA synthetase 2; minus strand). Cytogenetic location: 12p11.21.
Variant type: Deletion.
Coding change: c.662del on transcript NM_001040436.3 (MANE Select); coding-DNA position 662, one base deleted (A; older notation c.662delA).
Protein change: p.Tyr221fs; shifts the reading frame from tyrosine 221.
Molecular consequence: frameshift variant.
Genome position (GRCh38, 1-based): chr12:32,755,213, T deleted on the plus strand (A on the coding strand, the reverse complement: YARS2 is on the minus strand). VCF-style (leftmost placement, unchanged base first): chr12-32755212-GT-G. GRCh37 (hg19) VCF-style: chr12-32908146-GT-G.
Other names: short protein forms Y221fs.
Identifiers: ClinVar variation 2128187 (VCV002128187.4), dbSNP rs2541163218, ClinGen allele CA2580085394.